The following is an entry in ClinVar:

NM_001371986.1(UNC80):c.5953G>A (p.Asp1985Asn)

Gene: UNC80 (unc-80 homolog, NALCN channel complex subunit; plus strand). Cytogenetic location: 2q34.
Variant type: single nucleotide variant.
Coding change: c.5953G>A on transcript NM_001371986.1 (MANE Select); coding-DNA position 5953, G replaced by A.
Protein change: p.Asp1985Asn; replaces aspartic acid 1985 with asparagine.
Molecular consequence: missense variant.
Genome position (GRCh38, 1-based): chr2:209,931,013, G>A. VCF-style: chr2-209931013-G-A. GRCh37 (hg19) VCF-style: chr2-210795737-G-A.
Other names: c.5755G>A, p.Asp1919Asn (NM_032504.2); c.5740G>A, p.Asp1914Asn (NM_182587.4); c.5755G>A (NM_032504.1); short protein forms D1985N, D1919N, D1914N.
Identifiers: ClinVar variation 1478423 (VCV001478423.6), dbSNP rs1427924189, ClinGen allele CA350767420.

ClinVar aggregate classification (germline): Uncertain significance. Review status: criteria provided, multiple submitters, no conflicts (2 of 4 stars). 2 submissions from 2 submitters: Uncertain significance (2). Last evaluated 2024-07-09.

Conditions:
Inborn genetic diseases. Identifiers: MedGen C0950123, MeSH D030342.

Allele frequency attached by ClinVar (database versions not stated): gnomAD exomes 0.00001 and 0.00003; TOPMed 0.00005.
gnomAD v4.1: 3 of 1,550,746 alleles (0.00019%); highest among the groups gnomAD compares: Admixed American, 0.0059%; no homozygotes.

Submissions (2):

Ambry Genetics
Classification: Uncertain significance for Inborn genetic diseases. Last evaluated: 2024-07-09. Review status: criteria provided, single submitter. Criteria: Ambry Variant Classification Scheme 2023. Collection method: clinical testing. Allele origin: germline.

Labcorp Genetics (formerly Invitae), Labcorp
Classification: Uncertain significance. Last evaluated: 2021-09-24. Review status: criteria provided, single submitter. Criteria: Invitae Variant Classification Sherloc (09022015). Collection method: clinical testing. Allele origin: germline.
Comment: This sequence change replaces aspartic acid with asparagine at codon 1919 of the UNC80 protein (p.Asp1919Asn). The aspartic acid residue is moderately conserved and there is a small physicochemical difference between aspartic acid and asparagine. This variant is not present in population databases (ExAC no frequency). This variant has not been reported in the literature in individuals with UNC80-related conditions. Algorithms developed to predict the effect of missense changes on protein structure and function are either unavailable or do not agree on the potential impact of this missense change (SIFT: "Not Available"; PolyPhen-2: "Probably Damaging"; Align-GVGD: "Not Available"). In summary, the available evidence is currently insufficient to determine the role of this variant in disease. Therefore, it has been classified as a Variant of Uncertain Significance.